The following is an entry in ClinVar:

NM_004187.5(KDM5C):c.1011C>A (p.Asp337Glu)

Gene: KDM5C (lysine demethylase 5C; minus strand). Cytogenetic location: Xp11.22.
Variant type: single nucleotide variant.
Coding change: c.1011C>A on transcript NM_004187.5 (MANE Select); coding-DNA position 1011, C replaced by A.
Protein change: p.Asp337Glu; replaces aspartic acid 337 with glutamic acid.
Molecular consequence: missense variant. On other transcripts: non-coding transcript variant (3).
Genome position (GRCh38, 1-based): chrX:53,214,800, G>T on the plus strand (C>A on the coding strand, the complement: KDM5C is on the minus strand). VCF-style: chrX-53214800-G-T. GRCh37 (hg19) VCF-style: chrX-53243982-G-T.
Other names: c.1011C>A, p.Asp337Glu (NM_001353984.2, NM_001353978.3, NM_001353981.2); c.810C>A, p.Asp270Glu (NM_001146702.2); c.1008C>A, p.Asp336Glu (NM_001282622.3, NM_001353979.2, NM_001353982.2); c.1011C>A (NM_004187.3); short protein forms D336E, D337E, D270E.
Identifiers: ClinVar variation 3393891 (VCV003393891.3).

ClinVar aggregate classification (germline): Uncertain significance. Review status: criteria provided, multiple submitters, no conflicts (2 of 4 stars). 3 submissions from 3 submitters: Uncertain significance (3). Last evaluated 2026-06-15.

Conditions:
Inborn genetic diseases. Identifiers: MedGen C0950123, MeSH D030342.

gnomAD v4.1: 1 of 1,211,932 alleles (0.000083%); highest among the groups gnomAD compares: Non-Finnish European, 0.00011%; no homozygotes.

Submissions (3):

Ambry Genetics
Classification: Uncertain significance for Inborn genetic diseases. Last evaluated: 2026-06-15. Review status: criteria provided, single submitter. Criteria: Ambry Variant Classification Scheme 2023. Collection method: clinical testing. Allele origin: germline.

GeneDx
Classification: Uncertain significance. Last evaluated: 2024-07-04. Review status: criteria provided, single submitter. Criteria: GeneDx Variant Classification Process June 2021. Collection method: clinical testing. Allele origin: germline. Affected: yes.
Comment: Not observed at significant frequency in large population cohorts (gnomAD); In silico analysis indicates that this missense variant does not alter protein structure/function; Has not been previously published as pathogenic or benign to our knowledge

Blueprint Genetics
Classification: Uncertain significance. Last evaluated: 2023-11-27. Review status: criteria provided, single submitter. Criteria: ACMG Guidelines, 2015. Collection method: clinical testing. Allele origin: germline.